The following is an entry in ClinVar:

NM_004946.3(DOCK2):c.5368C>T (p.Leu1790Phe)

Gene: DOCK2 (dedicator of cytokinesis 2; plus strand). Cytogenetic location: 5q35.1.
Variant type: single nucleotide variant.
Coding change: c.5368C>T on transcript NM_004946.3 (MANE Select); coding-DNA position 5368, C replaced by T.
Protein change: p.Leu1790Phe; replaces leucine 1790 with phenylalanine.
Molecular consequence: missense variant. On other transcripts: non-coding transcript variant (1).
Genome position (GRCh38, 1-based): chr5:170,081,922, C>T. VCF-style: chr5-170081922-C-T. GRCh37 (hg19) VCF-style: chr5-169508926-C-T.
Other names: c.5368C>T, p.Leu1790Phe (LRG_1227t1); short protein forms L1790F.
Identifiers: ClinVar variation 654762 (VCV000654762.8), dbSNP rs760479360, ClinGen allele CA3554861.
Genomic context (GRCh38, chr5:170,081,922, plus strand): 5'-GGCATCCCTGGGTTGGATGAGGCCAACACATCTCCCCGCCTCAGCCAGACCTTCCTCCAA[C>T]TCTCAGATGGTGACAAGAAGACACTCACACGGAAGAAGGTCAATCAGTTCTTCAAGACAA-3'
Protein context (NP_004937.1, residues 1780-1800): SPRLSQTFLQ[Leu1790Phe]SDGDKKTLTR

ClinVar aggregate classification (germline): Uncertain significance. Review status: criteria provided, multiple submitters, no conflicts (2 of 4 stars). 3 submissions from 3 submitters: Uncertain significance (3). Last evaluated 2025-03-25.

Conditions:
Inborn genetic diseases. Identifiers: MedGen C0950123, MeSH D030342.
DOCK2 deficiency. Also called: Immunodeficiency 40. Identifiers: Orphanet 447737, MedGen C4225328, MONDO:0014637, OMIM 616433.

Allele frequency attached by ClinVar (database versions not stated): gnomAD 0.00001; TOPMed 0.00005.
gnomAD v4.1: 10 of 1,614,066 alleles (0.00062%); highest among the groups gnomAD compares: South Asian, 0.0022%; no homozygotes.

Submissions (3):

Ambry Genetics
Classification: Uncertain significance for Inborn genetic diseases. Last evaluated: 2025-03-25. Review status: criteria provided, single submitter. Criteria: Ambry Variant Classification Scheme 2023. Collection method: clinical testing. Allele origin: germline.

Labcorp Genetics (formerly Invitae), Labcorp
Classification: Uncertain significance for DOCK2 deficiency. Last evaluated: 2022-06-20. Review status: criteria provided, single submitter. Criteria: Invitae Variant Classification Sherloc (09022015). Collection method: clinical testing. Allele origin: germline.
Comment: This sequence change replaces leucine, which is neutral and non-polar, with phenylalanine, which is neutral and non-polar, at codon 1790 of the DOCK2 protein (p.Leu1790Phe). This variant is present in population databases (rs760479360, gnomAD 0.006%). This variant has not been reported in the literature in individuals affected with DOCK2-related conditions. ClinVar contains an entry for this variant (Variation ID: 654762). Algorithms developed to predict the effect of missense changes on protein structure and function output the following: SIFT: "Tolerated"; PolyPhen-2: "Benign"; Align-GVGD: "Class C0". The phenylalanine amino acid residue is found in multiple mammalian species, which suggests that this missense change does not adversely affect protein function. Algorithms developed to predict the effect of sequence changes on RNA splicing suggest that this variant may create or strengthen a splice site. In summary, the available evidence is currently insufficient to determine the role of this variant in disease. Therefore, it has been classified as a Variant of Uncertain Significance.

Blueprint Genetics
Classification: Uncertain significance. Last evaluated: 2019-09-30. Review status: criteria provided, single submitter. Criteria: ACMG Guidelines, 2015. Collection method: clinical testing. Allele origin: germline.